The following is an entry in ClinVar:

NM_006642.5(SDCCAG8):c.675+1G>A

Gene: SDCCAG8 (SHH signaling and ciliogenesis regulator SDCCAG8; plus strand). Cytogenetic location: 1q43.
Variant type: single nucleotide variant.
Coding change: c.675+1G>A on transcript NM_006642.5 (MANE Select); the canonical splice donor site of the intron after coding-DNA position 675, G replaced by A.
Molecular consequence: splice donor variant.
Genome position (GRCh38, 1-based): chr1:243,293,220, G>A. VCF-style: chr1-243293220-G-A. GRCh37 (hg19) VCF-style: chr1-243456522-G-A.
Other names: c.381+1G>A (NM_001350249.2); c.-699+1G>A (NM_001350251.2); c.675+1G>A (NM_001350248.2); c.-438+1G>A (NM_001350246.2); c.-326+1G>A (NM_001350247.2).
Identifiers: ClinVar variation 631601 (VCV000631601.8), dbSNP rs1022080658, ClinGen allele CA40424077.

ClinVar aggregate classification (germline): Likely pathogenic (1 of 4 stars; one submission).

Conditions:
Senior-Loken syndrome 7 (SLSN7). Identifiers: Orphanet 3156, MedGen C3150877, MONDO:0013326, OMIM 613615.
Bardet-Biedl syndrome 16 (BBS16). Identifiers: Orphanet 110, MedGen C3889474, MONDO:0014444, OMIM 615993.

Allele frequency attached by ClinVar (database versions not stated): gnomAD exomes below 0.00001; TOPMed below 0.00001; gnomAD 0.00001.
gnomAD v4.1: 3 of 1,613,856 alleles (0.00019%); highest among the groups gnomAD compares: Non-Finnish European, 0.00025%; no homozygotes.

Submission:

Labcorp Genetics (formerly Invitae), Labcorp
Classification: Likely pathogenic for Bardet-Biedl syndrome 16; Senior-Loken syndrome 7. Last evaluated: 2023-11-20. Review status: criteria provided, single submitter. Criteria: Invitae Variant Classification Sherloc (09022015). Collection method: clinical testing. Allele origin: germline.
Comment: This sequence change affects a donor splice site in intron 6 of the SDCCAG8 gene. It is expected to disrupt RNA splicing. Variants that disrupt the donor or acceptor splice site typically lead to a loss of protein function (PMID: 16199547), and loss-of-function variants in SDCCAG8 are known to be pathogenic (PMID: 20835237, 22190896). This variant is not present in population databases (gnomAD no frequency). This variant has not been reported in the literature in individuals affected with SDCCAG8-related conditions. ClinVar contains an entry for this variant (Variation ID: 631601). Algorithms developed to predict the effect of sequence changes on RNA splicing suggest that this variant may disrupt the consensus splice site. In summary, the currently available evidence indicates that the variant is pathogenic, but additional data are needed to prove that conclusively. Therefore, this variant has been classified as Likely Pathogenic.

Literature cited by the submitters: PubMed 16199547; PubMed 20835237; PubMed 22190896.